The following is an entry in ClinVar:

ClinVar aggregate classification (germline): Uncertain significance (1 of 4 stars; one submission).

Conditions:
Inborn genetic diseases. Identifiers: MedGen C0950123, MeSH D030342.

Submission:

Ambry Genetics
Classification: Uncertain significance for Inborn genetic diseases. Last evaluated: 2026-05-14. Review status: criteria provided, single submitter. Criteria: Ambry Variant Classification Scheme 2023. Collection method: clinical testing. Allele origin: germline.
Comment: The p.V399I variant (also known as c.1195G>A), located in coding exon 7 of the ERCC6L2 gene, results from a G to A substitution at nucleotide position 1195. The valine at codon 399 is replaced by isoleucine, an amino acid with highly similar properties. This amino acid position is conserved. In addition, the in silico prediction for this alteration is inconclusive. Based on the available evidence, the clinical significance of this variant remains unclear.

NM_020207.7(ERCC6L2):c.1195G>A (p.Val399Ile)

Gene: ERCC6L2 (ERCC excision repair 6 like 2; plus strand). Cytogenetic location: 9q22.32.
Variant type: single nucleotide variant.
Coding change: c.1195G>A on transcript NM_020207.7 (MANE Select); coding-DNA position 1195, G replaced by A.
Protein change: p.Val399Ile; replaces valine 399 with isoleucine.
Molecular consequence: missense variant. On other transcripts: non-coding transcript variant (1).
Genome position (GRCh38, 1-based): chr9:95,921,211, G>A. VCF-style: chr9-95921211-G-A. GRCh37 (hg19) VCF-style: chr9-98683493-G-A.
Other names: c.1195G>A, p.Val399Ile (NM_001010895.4, NM_001375291.1, NM_001375292.1 and 2 more transcripts); short protein forms V399I.
Identifiers: ClinVar variation 4870612 (VCV004870612.1).